The following is an entry in ClinVar:

ClinVar aggregate classification (germline): Likely pathogenic (1 of 4 stars; one submission).

Conditions:
Autosomal recessive nonsyndromic hearing loss 28. Identifiers: Orphanet 90636, MedGen C1853276, MONDO:0012355, OMIM 609823.

Submission:

First Genomix Gene Laboratory, Genetic Diagnostics Department
Classification: Likely pathogenic for Autosomal recessive nonsyndromic hearing loss 28. Last evaluated: 2025-09-24. Review status: criteria provided, single submitter. Criteria: ACMG Guidelines, 2015. Collection method: clinical testing. Allele origin: germline. Inheritance: Autosomal recessive inheritance. Affected: no. Observed: 1 variant allele.

NM_001039141.3(TRIOBP):c.5577+1G>A

Genes: TRIOBP (TRIO and F-actin binding protein; plus strand), LOC126863145 (CDK7 strongly-dependent group 2 enhancer GRCh37_chr22:38150829-38152028; plus strand). Cytogenetic location: 22q13.1.
Variant type: single nucleotide variant.
Coding change: c.5577+1G>A on transcript NM_001039141.3 (MANE Select); the canonical splice donor site of the intron after coding-DNA position 5577, G replaced by A.
Molecular consequence: splice donor variant.
Genome position (GRCh38, 1-based): chr22:37,755,191, G>A. VCF-style: chr22-37755191-G-A. GRCh37 (hg19) VCF-style: chr22-38151198-G-A.
Other names: c.438+1G>A (NM_007032.5, NM_138632.2).
Identifiers: ClinVar variation 4850451 (VCV004850451.1).